The following is an entry in ClinVar:

ClinVar aggregate classification (germline): Uncertain significance. Review status: criteria provided, multiple submitters, no conflicts (2 of 4 stars). 2 submissions from 2 submitters: Uncertain significance (2). Last evaluated 2023-04-26.

Conditions:
Pierpont syndrome (PRPTS). Identifiers: Orphanet 487825, MedGen C1865644, MONDO:0011213, OMIM 602342.

Allele frequency attached by ClinVar (database versions not stated): gnomAD 0.00001.
gnomAD v4.1: 1 of 1,598,676 alleles (0.000063%); highest among the groups gnomAD compares: Non-Finnish European, 0.000085%; no homozygotes.

Submissions (2):

Labcorp Genetics (formerly Invitae), Labcorp
Classification: Uncertain significance for Pierpont syndrome. Last evaluated: 2023-04-26. Review status: criteria provided, single submitter. Criteria: Invitae Variant Classification Sherloc (09022015). Collection method: clinical testing. Allele origin: germline.
Comment: In summary, the available evidence is currently insufficient to determine the role of this variant in disease. Therefore, it has been classified as a Variant of Uncertain Significance. Advanced modeling of protein sequence and biophysical properties (such as structural, functional, and spatial information, amino acid conservation, physicochemical variation, residue mobility, and thermodynamic stability) performed at Invitae indicates that this missense variant is not expected to disrupt TBL1XR1 protein function. ClinVar contains an entry for this variant (Variation ID: 976267). This variant has not been reported in the literature in individuals affected with TBL1XR1-related conditions. This variant is not present in population databases (gnomAD no frequency). This sequence change replaces asparagine, which is neutral and polar, with serine, which is neutral and polar, at codon 391 of the TBL1XR1 protein (p.Asn391Ser).

Institute of Human Genetics, University of Leipzig Medical Center
Classification: Uncertain significance for Pierpont syndrome. Last evaluated: 2019-11-11. Review status: criteria provided, single submitter. Criteria: ACMG Guidelines, 2015. Collection method: clinical testing. Allele origin: de novo. Affected: yes. Observed: 1 variant allele.

NM_024665.7(TBL1XR1):c.1172A>G (p.Asn391Ser)

Gene: TBL1XR1 (TBL1X/Y related 1; minus strand). Cytogenetic location: 3q26.32.
Variant type: single nucleotide variant.
Coding change: c.1172A>G on transcript NM_024665.7 (MANE Select); coding-DNA position 1172, A replaced by G.
Protein change: p.Asn391Ser; replaces asparagine 391 with serine.
Molecular consequence: missense variant.
Genome position (GRCh38, 1-based): chr3:177,034,276, T>C on the plus strand (A>G on the coding strand, the complement: TBL1XR1 is on the minus strand). VCF-style: chr3-177034276-T-C. GRCh37 (hg19) VCF-style: chr3-176752064-T-C.
Other names: c.1172A>G, p.Asn391Ser (NM_001321193.3, NM_001321194.3, NM_001374327.1 and 2 more transcripts); c.911A>G, p.Asn304Ser (NM_001321195.3, NM_001374330.1); short protein forms N304S, N391S.
Identifiers: ClinVar variation 976267 (VCV000976267.4), dbSNP rs1714446805, ClinGen allele CA355554744.